The following is an entry in ClinVar:

ClinVar aggregate classification (germline): Conflicting classifications of pathogenicity. Review status: criteria provided, conflicting classifications (1 of 4 stars). 5 submissions from 5 submitters: Uncertain significance (2); Likely benign (2). 1 of the submissions does not count toward it. Last evaluated 2025-06-23.

Conditions:
Hereditary cancer-predisposing syndrome. Also called: Tumor predisposition; Neoplastic Syndromes, Hereditary; Hereditary Cancer Syndrome; Hereditary neoplastic syndrome. Identifiers: Orphanet 140162, MedGen C0027672, MeSH D009386, MONDO:0015356.
Hereditary breast ovarian cancer syndrome. Also called: Hereditary breast and ovarian cancer syndrome (HBOC); Hereditary breast and ovarian cancer syndrome; Hereditary breast and ovarian cancer; Hereditary breast and/or ovarian cancer syndrome; Breast and ovarian cancer; BRCA1- and BRCA2-Associated Hereditary Breast and Ovarian Cancer. Identifiers: Orphanet 145, MedGen C0677776, MeSH D061325, MONDO:0003582. Disease mechanism: loss of function.
Breast-ovarian cancer, familial, susceptibility to, 1 (BROVCA1). Also called: OVARIAN CANCER, SUSCEPTIBILITY TO; BRCA1 Hereditary Breast and Ovarian Cancer. Identifiers: Orphanet 145, MedGen C2676676, MONDO:0011450, OMIM 604370. Disease mechanism: loss of function.

Allele frequency attached by ClinVar (database versions not stated): TOPMed below 0.00001.

Submissions (6):

Color Diagnostics, LLC DBA Color Health
Classification: Uncertain significance for Hereditary cancer-predisposing syndrome. Last evaluated: 2025-06-23. Review status: criteria provided, single submitter. Criteria: ACMG Guidelines, 2015. Collection method: clinical testing. Allele origin: germline.
Comment: This missense variant replaces leucine with valine at codon 1705 of the BRCA1 protein. Computational prediction is inconclusive regarding the impact of this variant on protein structure and function. To our knowledge, functional studies have not been reported for this variant. This variant has not been reported in individuals affected with BRCA1-related disorders in the literature. This variant has not been identified in the general population by the Genome Aggregation Database (gnomAD). The available evidence is insufficient to determine the role of this variant in disease conclusively. Therefore, this variant is classified as a Variant of Uncertain Significance.

Labcorp Genetics (formerly Invitae), Labcorp
Classification: Uncertain significance for Hereditary breast ovarian cancer syndrome. Last evaluated: 2025-05-05. Review status: criteria provided, single submitter. Criteria: Invitae Variant Classification Sherloc (09022015). Collection method: clinical testing. Allele origin: germline.
Comment: This sequence change replaces leucine, which is neutral and non-polar, with valine, which is neutral and non-polar, at codon 1705 of the BRCA1 protein (p.Leu1705Val). This variant is not present in population databases (gnomAD no frequency). This variant has not been reported in the literature in individuals affected with BRCA1-related conditions. ClinVar contains an entry for this variant (Variation ID: 41832). Invitae Evidence Modeling incorporating data from in vitro experimental studies (PMID: 30209399) indicates that this missense variant is not expected to disrupt BRCA1 function with a negative predictive value of 95%. Experimental studies have shown that this missense change does not substantially affect BRCA1 function (PMID: 30209399). This variant disrupts the p.Leu1705 amino acid residue in BRCA1. Other variant(s) that disrupt this residue have been determined to be pathogenic (PMID: 10811118, 26951538, 30209399). This suggests that this residue is clinically significant, and that variants that disrupt this residue are likely to be disease-causing. In summary, the available evidence is currently insufficient to determine the role of this variant in disease. Therefore, it has been classified as a Variant of Uncertain Significance.

Lupski Lab, Baylor-Hopkins CMG, Baylor College of Medicine
Classification: Likely benign for Breast-ovarian cancer, familial, susceptibility to, 1. Last evaluated: 2024-04-12. Review status: criteria provided, single submitter. Criteria: Dawood et al. (medRxiv. 2024). Collection method: curation. Allele origin: germline.
Comment: Each variant was annotated with functional scores from MAVE data which was translated into functional evidence codes. All other evidence codes and combining criteria were adhered to as closely as possible based on the ClinGen VCEP (Variant Curation Expert Panel) gene-specific recommendations. See Supplemental Figure 34 of final paper (Supp Fig. 28 in preprint: doi:10.1101/2024.04.11.24305690) for a table to see which lines of evidence we did not have data for. The ClinGen VCEPs are highly regarded as the gold-standard for gene-specific variant curation and are developed after extensive evaluation of the evidence by clinical and scientific experts for the particular gene to classify genomic variants on a spectrum from pathogenic to benign using the 2015 ACMG/AMP Variant Interpretation Guidelines as a backbone (PMID: 25741868). Reclassification of these VUS variants from gnomAD or All of Us focused only on variants originally prescribed as VUS in ClinVar. To ensure reproducibility, transparency, and increased throughput, all the procedures for annotating variants and assigning evidence codes were codified using Python. All code has been made freely available and is linked in the Code Availability section and all reclassified variants with evidence codes used can be found in Tables S18-19 (preprint: doi:10.1101/2024.04.11.24305690). For the MAVE data, the clinical curation and clinical strength assignment as per the ClinGen recommendations in Brnich et al. (2020) (PMID: 31892348) for or against pathogenicity or benignity of each of these MAVE datasets utilized in this study were previously published in Fayer et al. (2021) (PMID: 34793697).In brief, for BRCA1 variants, if a variant was categorized as FUNC (functional), it was assigned BS3 evidence and no PS3 evidence, whereas if it was categorized as LOF (loss of function), the variant was assigned PS3 evidence and no BS3 evidence. Variants categorized as INT (intermediate) were left unannotated. For the BRCA1 combining criteria, greater than or equal to 1 criteria of strong benign evidence was enough to reclassify the VUS as Likely Benign. This variant GRCh38:17:43063913:G>C was assigned evidence codes ['BS3', 'BP4'] and an overall classification of Likely benign

Ambry Genetics
Classification: Likely benign for Hereditary cancer-predisposing syndrome. Last evaluated: 2021-05-10. Review status: criteria provided, single submitter. Criteria: Ambry Variant Classification Scheme 2023. Collection method: clinical testing. Allele origin: germline.

Biesecker Lab/Clinical Genomics Section, National Institutes of Health
Classification: Uncertain significance. Last evaluated: 2012-07-13. Review status: no assertion criteria provided. Collection method: research. Allele origin: germline. Affected: no. Observed: 1 variant allele. Study: ClinSeq. Not counted in ClinVar's aggregate classification.
ClinVar note: Converted during submission from variant of unknown significance to Uncertain significance.

Brotman Baty Institute, University of Washington
No classification provided (evidence only). Condition: Breast-ovarian cancer, familial 1. Review status: no classification provided. Collection method: in vitro. Allele origin: not applicable. Functional consequence: functionally_normal. Not counted in ClinVar's aggregate classification.
ClinVar note: "not provided" was previously submitted as the classification for the variant. However, the classification appeared to be based only on an observation of functional data so it was converted to no classification on 2025-07-30.

Literature cited by the submitters: PubMed 30209399 (cited by Labcorp Genetics (formerly Invitae), Labcorp and Ambry Genetics); PubMed 10811118 (cited by Labcorp Genetics (formerly Invitae), Labcorp); PubMed 26951538 (cited by Labcorp Genetics (formerly Invitae), Labcorp); PubMed 39142283 (cited by Lupski Lab, Baylor-Hopkins CMG, Baylor College of Medicine); PubMed 34793697 (cited by Lupski Lab, Baylor-Hopkins CMG, Baylor College of Medicine); DOI 10.1101/2024.04.11.24305690 (cited by Lupski Lab, Baylor-Hopkins CMG, Baylor College of Medicine).

NM_007294.4(BRCA1):c.5113C>G (p.Leu1705Val)

Gene: BRCA1 (BRCA1 DNA repair associated; minus strand). Cytogenetic location: 17q21.31.
Variant type: single nucleotide variant.
Coding change: c.5113C>G on transcript NM_007294.4 (MANE Select); coding-DNA position 5113, C replaced by G.
Protein change: p.Leu1705Val; replaces leucine 1705 with valine.
Molecular consequence: missense variant. On other transcripts: non-coding transcript variant (1).
Genome position (GRCh38, 1-based): chr17:43,063,913, G>C on the plus strand (C>G on the coding strand, the complement: BRCA1 is on the minus strand). VCF-style: chr17-43063913-G-C. GRCh37 (hg19) VCF-style: chr17-41215930-G-C.
Other names: c.4900C>G, p.Leu1634Val (NM_001407907.1, NM_001407908.1, NM_001407909.1 and 12 more transcripts); c.4897C>G, p.Leu1633Val (NM_001407915.1, NM_001407916.1, NM_001407917.1 and 1 more transcripts); c.4990C>G, p.Leu1664Val (NM_001407919.1, NM_001407937.1, NM_001407938.1 and 6 more transcripts); c.4849C>G, p.Leu1617Val (NM_001407920.1, NM_001407921.1, NM_001407922.1 and 4 more transcripts); c.4846C>G, p.Leu1616Val (NM_001407927.1, NM_001407928.1, NM_001407929.1 and 4 more transcripts); c.4843C>G, p.Leu1615Val (NM_001407934.1, NM_001407935.1, NM_001407936.1); c.4987C>G, p.Leu1663Val (NM_001407939.1, NM_001407940.1, NM_001407670.1 and 10 more transcripts); c.4984C>G, p.Leu1662Val (NM_001407941.1, NM_001407681.1, NM_001407682.1 and 6 more transcripts); and 71 more; short protein forms L1705V, L1658V, L1726V, L601V, L1551V, L1577V, L1615V, L1661V.
Identifiers: ClinVar variation 41832 (VCV000041832.24), dbSNP rs80356858, ClinGen allele CA003246.